The following is an entry in ClinVar:

ClinVar aggregate classification (germline): Conflicting classifications of pathogenicity. Review status: criteria provided, conflicting classifications (1 of 4 stars). 4 submissions from 4 submitters: Uncertain significance (1); Likely benign (3). Last evaluated 2025-12-20.

Conditions:
Xanthinuria type II. Also called: Xanthine dehydrogenase and aldehyde oxidase combined deficiency of; XDH and AOX dual deficiency. Identifiers: Orphanet 3467, Orphanet 93602, MedGen C1863688, MONDO:0011346, OMIM 603592.
Hereditary xanthinuria type 1 (XAN1). Identifiers: Orphanet 3467, Orphanet 93601, MedGen C0268118, MONDO:0010209, OMIM 278300.

Allele frequency attached by ClinVar (database versions not stated): ExAC 0.00025; gnomAD exomes 0.00032 and 0.00036; ESP Exome Variant Server 0.00038; gnomAD 0.00041 and 0.00042; TOPMed 0.00046.
gnomAD v4.1: 584 of 1,614,172 alleles (0.036%); highest among the groups gnomAD compares: Admixed American, 0.098%; no homozygotes.

Submissions (4):

Labcorp Genetics (formerly Invitae), Labcorp
Classification: Likely benign for Xanthinuria type II. Last evaluated: 2025-12-20. Review status: criteria provided, single submitter. Criteria: Invitae Variant Classification Sherloc (09022015). Collection method: clinical testing. Allele origin: germline.

CeGaT Center for Human Genetics Tuebingen
Classification: Likely benign. Last evaluated: 2025-02-01. Review status: criteria provided, single submitter. Criteria: CeGaT Center For Human Genetics Tuebingen Variant Classification Criteria Version 2. Collection method: clinical testing. Allele origin: germline. Affected: yes. Observed: 2 variant alleles.
Comment: XDH: BP4, BP7

Blueprint Genetics
Classification: Likely benign. Last evaluated: 2024-08-09. Review status: criteria provided, single submitter. Criteria: ACMG Guidelines, 2015. Collection method: clinical testing. Allele origin: germline.

Illumina Laboratory Services, Illumina
Classification: Uncertain significance for Hereditary xanthinuria type 1. Last evaluated: 2018-01-12. Review status: criteria provided, single submitter. Criteria: ICSL Variant Classification Criteria 13 December 2019. Collection method: clinical testing. Allele origin: germline.

NM_000379.4(XDH):c.3930C>T (p.Cys1310=)

Gene: XDH (xanthine dehydrogenase; minus strand). Cytogenetic location: 2p23.1.
Variant type: single nucleotide variant.
Coding change: c.3930C>T on transcript NM_000379.4 (MANE Select); coding-DNA position 3930, C replaced by T.
Protein change: p.Cys1310=; no amino-acid change (cysteine 1310 retained).
Molecular consequence: synonymous variant.
Genome position (GRCh38, 1-based): chr2:31,337,662, G>A on the plus strand (C>T on the coding strand, the complement: XDH is on the minus strand). VCF-style: chr2-31337662-G-A. GRCh37 (hg19) VCF-style: chr2-31560528-G-A.
Identifiers: ClinVar variation 335756 (VCV000335756.40), dbSNP rs138936101, ClinGen allele CA1598213.